The following is an entry in ClinVar:

ClinVar aggregate classification (germline): Pathogenic. Review status: reviewed by expert panel (3 of 4 stars). 21 submissions from 21 submitters: Pathogenic (1). 20 of the submissions do not count toward it. Last evaluated 2016-12-15.

Conditions:
MYH7-related disorder. Also called: MYH7-related disorders; MYH7-related condition; MYH7-related disease.
MYH7-related skeletal myopathy. Also called: Laing early-onset distal myopathy; Myopathy, distal, 1; MYOPATHY, DISTAL, EARLY-ONSET, AUTOSOMAL DOMINANT; MYOPATHY, LATE DISTAL HEREDITARY; Laing distal myopathy. Identifiers: Orphanet 59135, MedGen C4552004, MONDO:0008050, OMIM 160500.
Congenital myopathy with fiber type disproportion. Also called: Congenital fiber-type disproportion; Congenital fiber-type disproportion myopathy. Identifiers: Orphanet 2020, MedGen C0546264, MONDO:0009711. Inheritance: all.
Myopathy, myosin storage, autosomal recessive (CMYO7B). Also called: CONGENITAL MYOPATHY 7B, MYOSIN STORAGE, AUTOSOMAL RECESSIVE. Identifiers: Orphanet 636970, MedGen C1850709, MONDO:0009708, OMIM 255160.
Myosin storage myopathy (CMYO7A). Also called: MYOPATHY WITH LYSIS OF TYPE I MYOFIBRILS; Congenital myopathy 7A, myosin storage, autosomal dominant; MYH7-related late-onset scapuloperoneal muscular dystrophy; Scapuloperoneal myopathy, MYH7-related; MYOPATHY, HYALINE BODY, AUTOSOMAL DOMINANT; SCAPULOPERONEAL MUSCULAR DYSTROPHY. Identifiers: Orphanet 437572, Orphanet 636965, MedGen C1842160, MONDO:0008409, OMIM 608358.
Hypertrophic cardiomyopathy 1 (CMH1). Also called: MYH7-Related Familial Hypertrophic Cardiomyopathy; Familial hypertrophic cardiomyopathy 1. Identifiers: MedGen C3495498, MONDO:0008647, OMIM 192600.
Dilated cardiomyopathy 1S (CMD1S). Identifiers: Orphanet 154, Orphanet 54260, MedGen C1834481, MONDO:0013262, OMIM 613426.
Cardiovascular phenotype. Identifiers: MedGen CN230736.
Cardiomyopathy (CMYO). Also called: Cardiomyopathies. Identifiers: Orphanet 167848, MedGen C0878544, MONDO:0004994, HP:0001638. Inheritance: Various modes of inheritance.
Primary familial hypertrophic cardiomyopathy (HCM). Identifiers: Orphanet 99739, MedGen C0949658, MeSH D024741, MONDO:0024573. Inheritance: Various modes of inheritance.
Hypertrophic cardiomyopathy. Also called: HYPERTROPHIC MYOCARDIOPATHY. Identifiers: Orphanet 217569, MedGen C0007194, MeSH D002312, MONDO:0005045, HP:0001639.

Allele frequency attached by ClinVar (database versions not stated): gnomAD exomes 0.00002 and below 0.00001; gnomAD 0.00001; TOPMed 0.00001.

Submissions 1 to 7 of 21:

ClinGen Cardiomyopathy Variant Curation Expert Panel
Classification: Pathogenic for Hypertrophic cardiomyopathy. Last evaluated: 2016-12-15. Review status: reviewed by expert panel. Criteria: ClinGen CMP ACMG Specifications v1. Collection method: curation. Allele origin: germline. Inheritance: Autosomal dominant inheritance.
Comment: The c.2717A>G (p.Asp906Gly) variant in MYH7 has been reported in >20 individuals with hypertrophic cardiomyopathy (PS4; PMID:27532257; PMID:12081993; PMID:15528230; PMID:16267253; PMID:24510615; Partners LMM ClinVar SCV000059468.5). This variant segregated with disease in 10 affected individuals (PP1_Strong; PMID:12081993; PMID:15528230). This variant was absent from large population studies (PM2). This variant lies in the head region of the protein (aa 181-937) and missense variants in this region are statistically more likely to be disease-associated (PM1; PMID:27532257). In summary, this variant meets criteria to be classified as pathogenic for hypertrophic cardiomyopathy in an autosomal dominant manner. MYH7-specific ACMG/AMP criteria applied (PMID:29300372): PS4; PP1_ Strong; PM1; PM2

PreventionGenetics, part of Exact Sciences
Classification: Pathogenic for MYH7-related condition. Last evaluated: 2026-07-02. Review status: criteria provided, single submitter. Criteria: ACMG Guidelines, 2015. Collection method: clinical testing. Allele origin: germline. Not counted in ClinVar's aggregate classification.
Comment: The MYH7 c.2717A>G variant is predicted to result in the amino acid substitution p.Asp906Gly. This variant has been reported in numerous individuals with hypertrophic cardiomyopathy (Ho et al. 2002. PubMed ID: 12081993; Table S1B, Walsh et al. 2017. PubMed ID: 27532257; Table S4, Kelly et al. 2018. PubMed ID: 29300372). This variant was also documented in the compound heterozygous state with a second pathogenic MYH7 variant to cause a more severe hypertrophic cardiomyopathy (Alpert et al. 2005. PubMed ID: 15528230). This variant is reported in 0.00088% of alleles in individuals of European (Non-Finnish) descent in gnomAD and is interpreted as pathogenic by the ClinGen Cardiomyopathy Variant Curation Expert Panel in ClinVar (Variation ID: 14125﻿). This variant is interpreted as pathogenic.

Labcorp Genetics (formerly Invitae), Labcorp
Classification: Pathogenic for Hypertrophic cardiomyopathy. Last evaluated: 2025-12-29. Review status: criteria provided, single submitter. Criteria: Invitae Variant Classification Sherloc (09022015). Collection method: clinical testing. Allele origin: germline. Not counted in ClinVar's aggregate classification.
Comment: This sequence change replaces aspartic acid, which is acidic and polar, with glycine, which is neutral and non-polar, at codon 906 of the MYH7 protein (p.Asp906Gly). This variant is present in population databases (rs267606908, gnomAD 0.0009%). This missense change has been observed in individuals with autosomal dominant hypertrophic cardiomyopathy (PMID: 12081993, 15528230, 24510615, 24704860). It has also been observed to segregate with disease in related individuals. ClinVar contains an entry for this variant (Variation ID: 14125). Invitae Evidence Modeling of protein sequence and biophysical properties (such as structural, functional, and spatial information, amino acid conservation, physicochemical variation, residue mobility, and thermodynamic stability) indicates that this missense variant is expected to disrupt MYH7 protein function with a positive predictive value of 95%. Experimental studies have shown that this missense change affects MYH7 function (PMID: 15528230). For these reasons, this variant has been classified as Pathogenic.

Ambry Genetics
Classification: Pathogenic for Cardiovascular phenotype. Last evaluated: 2025-05-22. Review status: criteria provided, single submitter. Criteria: Ambry Variant Classification Scheme 2023. Collection method: clinical testing. Allele origin: germline. Not counted in ClinVar's aggregate classification.
Comment: The p.D906G pathogenic mutation (also known as c.2717A>G), located in coding exon 21 of the MYH7 gene, results from an A to G substitution at nucleotide position 2717. The aspartic acid at codon 906 is replaced by glycine, an amino acid with similar properties. This alteration is located in the myosin head domain, which contains a statistically significant clustering of pathogenic missense variants (Homburger JR et al. Proc Natl Acad Sci U S A, 2016 06;113:6701-6; Walsh R et al. Genet Med, 2017 02;19:192-203; Ambry internal data). This variant was identified in one or more individuals with features consistent with MYH7-related cardiomyopathy and segregated with disease in at least one family (Ho CY et al. Circulation. 2002;105:2992-7; Alpert NR et al. Am. J. Physiol. Heart Circ. Physiol. 2005;288:H1097-102; Arad M et al. Circulation. 2005;112:2805-11; Miller EM et al. J Genet Couns. 2013;22:258-67; Kapplinger JD et al. J Cardiovasc Transl Res. 2014;7:347-61; Lopes LR et al. Heart. 2015;101:294-301; Walsh R et al. Genet. Med. 2017;19:192-203; Weissler-Snir A et al. Circ Cardiovasc Imaging. 2017;10:e005311). This amino acid position is highly conserved through mammals. In addition, this alteration is predicted to be deleterious by in silico analysis. This variant is considered to be rare based on population cohorts in the Genome Aggregation Database (gnomAD). Based on the supporting evidence, this alteration is interpreted as a disease-causing mutation.

ARUP Laboratories, Molecular Genetics and Genomics, ARUP Laboratories
Classification: Pathogenic. Last evaluated: 2025-03-13. Review status: criteria provided, single submitter. Criteria: ARUP Molecular Germline Variant Investigation Process 2024. Collection method: clinical testing. Allele origin: germline. Not counted in ClinVar's aggregate classification.
Comment: The MYH7 c.2717A>G, p.Asp906Gly variant (rs267606908) is reported in the literature in numerous individuals affected with hypertrophic cardiomyopathy (Ho 2022, Kapplinger 2014, Kelly 2018, Gal 2021). In addition, this variant has been observed to segregate with disease in several families (Alpert 2004, Ho 2002). This variant is only observed on one allele in the Genome Aggregation Database (v2.1.1), indicating it is not a common polymorphism. Computational analyses predict that this variant is deleterious (REVEL: 0.877). Based on available information, this variant is considered to be pathogenic. References: Alpert NR et al. Molecular and phenotypic effects of heterozygous, homozygous, and compound heterozygote myosin heavy-chain mutations. Am J Physiol Heart Circ Physiol. 2005 Mar;288(3):H1097-102. Epub 2004 Nov 4. PMID: 15528230. Gal DB et al. Comprehensive Genetic Testing for Pediatric Hypertrophic Cardiomyopathy Reveals Clinical Management Opportunities and Syndromic Conditions. Pediatr Cardiol. 2022 Mar;43(3):616-623. Epub 2021 Oct 29. PMID: 34714385 Ho CY et al. Assessment of diastolic function with Doppler tissue imaging to predict genotype in preclinical hypertrophic cardiomyopathy. Circulation. 2002 Jun 25;105(25):2992-7. PMID: 12081993. Kapplinger JD et al. Distinguishing hypertrophic cardiomyopathy-associated mutations from background genetic noise. J Cardiovasc Transl Res. 2014 Apr;7(3):347-61. Epub 2014 Feb 8. PMID: 24510615 Kelly MA. Adaptation and validation of the ACMG/AMP variant classification framework for MYH7-associated inherited cardiomyopathies: recommendations by ClinGen's Inherited Cardiomyopathy Expert Panel. Genet Med. 2018 Mar;20(3):351-359. Epub 2018 Jan 4. PMID: 29300372.

Mayo Clinic Laboratories, Mayo Clinic
Classification: Pathogenic. Last evaluated: 2025-02-17. Review status: criteria provided, single submitter. Criteria: ACMG Guidelines, 2015. Collection method: clinical testing. Allele origin: germline. Observed: 6 variant alleles. Not counted in ClinVar's aggregate classification.
Comment: PP1_strong, PP3, PM1, PM2_moderate, PS4

Blueprint Genetics
Classification: Pathogenic for MYH7-related disorders. Last evaluated: 2024-10-24. Review status: criteria provided, single submitter. Criteria: ACMG Guidelines, 2015. Collection method: clinical testing. Allele origin: germline. Affected: yes. Observed: 5 variant alleles. Not counted in ClinVar's aggregate classification.

NM_000257.4(MYH7):c.2717A>G (p.Asp906Gly)

Gene: MYH7 (myosin heavy chain 7; minus strand). Cytogenetic location: 14q11.2.
Variant type: single nucleotide variant.
Coding change: c.2717A>G on transcript NM_000257.4 (MANE Select); coding-DNA position 2717, A replaced by G.
Protein change: p.Asp906Gly; replaces aspartic acid 906 with glycine.
Molecular consequence: missense variant.
Genome position (GRCh38, 1-based): chr14:23,424,112, T>C on the plus strand (A>G on the coding strand, the complement: MYH7 is on the minus strand). VCF-style: chr14-23424112-T-C. GRCh37 (hg19) VCF-style: chr14-23893321-T-C.
Other names: NM_000257.3(MYH7):c.2717A>G; short protein forms D906G.
Identifiers: ClinVar variation 14125 (VCV000014125.56), dbSNP rs267606908, ClinGen allele CA012936.
Genomic context (GRCh38, chr14:23,424,112, plus strand): 5'-AGCCTCTCGTTCATCTCCTTCACCTTGGCCTCCAGCTGAATCTTGTTTTTGATCAGCTGA[T>C]CACAGCGCTCCTCAGCATCTGCCAGGTTGTCTTGTTCCTGAAGGTGAGGAACAGAGGGGA-3'
Protein context (NP_000248.2, residues 896-916): DNLADAEERC[Asp906Gly]QLIKNKIQLE